The following is an entry in ClinVar:

ClinVar aggregate classification (germline): Likely pathogenic (1 of 4 stars; one submission).

Submission:

GeneDx
Classification: Likely pathogenic. Last evaluated: 2017-03-10. Review status: criteria provided, single submitter. Criteria: GeneDx Variant Classification (06012015). Collection method: clinical testing. Allele origin: germline. Affected: yes.
Comment: A variant that is likely pathogenic has been identified in the NSD1 gene. The R1939C variant has not been published as a pathogenic variant, nor has it been reported as a benign variant to our knowledge. The R1939C variant is not observed in large population cohorts (Lek et al., 2016; 1000 Genomes Consortium et al., 2015; Exome Variant Server). The R1939C variant is a non-conservative amino acid substitution, which is likely to impact secondary protein structure as these residues differ in polarity, charge, size and/or other properties. This substitution occurs at a position that is conserved across species and in silico analysis predicts this variant is probably damaging to the protein structure/function. Therefore, this variant is likely pathogenic; however, the possibility that it is benign cannot be excluded.

NM_022455.5(NSD1):c.5815C>T (p.Arg1939Cys)

Gene: NSD1 (nuclear receptor binding SET domain protein 1; plus strand). Cytogenetic location: 5q35.3.
Variant type: single nucleotide variant.
Coding change: c.5815C>T on transcript NM_022455.5 (MANE Select); coding-DNA position 5815, C replaced by T.
Protein change: p.Arg1939Cys; replaces arginine 1939 with cysteine.
Molecular consequence: missense variant.
Genome position (GRCh38, 1-based): chr5:177,280,757, C>T. VCF-style: chr5-177280757-C-T. GRCh37 (hg19) VCF-style: chr5-176707758-C-T.
Other names: c.4942C>T, p.Arg1648Cys (NM_001365684.2, NM_001409308.1, NM_001409309.1 and 1 more transcripts); c.5815C>T, p.Arg1939Cys (NM_001409301.1, NM_001409302.1, NM_001409303.1); c.5395C>T, p.Arg1799Cys (NM_001409304.1); c.5062C>T, p.Arg1688Cys (NM_001409305.1); c.5053C>T, p.Arg1685Cys (NM_001409306.1, NM_001409307.1); short protein forms R1939C, R1670C, R1648C, R1688C, R1799C, R1685C.
Identifiers: ClinVar variation 423903 (VCV000423903.2), dbSNP rs1064796690, ClinGen allele CA16618182.